The following is an entry in ClinVar:

NM_001267550.2(TTN):c.103190A>G (p.Glu34397Gly)

Genes: TTN-AS1 (TTN antisense RNA 1; plus strand), TTN (titin; minus strand). Cytogenetic location: 2q31.2.
Variant type: single nucleotide variant.
Coding change: c.103190A>G on transcript NM_001267550.2 (MANE Select); coding-DNA position 103190, A replaced by G.
Protein change: p.Glu34397Gly; replaces glutamic acid 34397 with glycine.
Molecular consequence: missense variant.
Genome position (GRCh38, 1-based): chr2:178,533,425, T>C on the plus strand (A>G on the coding strand, the complement: TTN is on the minus strand). VCF-style: chr2-178533425-T-C. GRCh37 (hg19) VCF-style: chr2-179398152-T-C.
Other names: c.98267A>G, p.Glu32756Gly (NM_001256850.1); c.75995A>G, p.Glu25332Gly (NM_003319.4); c.95486A>G, p.Glu31829Gly (NM_133378.4); c.76370A>G, p.Glu25457Gly (NM_133432.3); c.76571A>G, p.Glu25524Gly (NM_133437.4); short protein forms E25457G, E32756G, E34397G, E25332G, E25524G, E31829G.
Identifiers: ClinVar variation 4784644 (VCV004784644.1).

ClinVar aggregate classification (germline): Uncertain significance (1 of 4 stars; one submission).

Conditions:
Dilated cardiomyopathy 1G (CMD1G). Identifiers: Orphanet 154, MedGen C1858763, MONDO:0011400, OMIM 604145.
Autosomal recessive limb-girdle muscular dystrophy type 2J (LGMDR10). Also called: Limb-girdle muscular dystrophy, type 2J; MUSCULAR DYSTROPHY, LIMB-GIRDLE, AUTOSOMAL RECESSIVE 10. Identifiers: Orphanet 140922, MedGen C1837342, MONDO:0012127, OMIM 608807.

Submission:

Labcorp Genetics (formerly Invitae), Labcorp
Classification: Uncertain significance for Dilated cardiomyopathy 1G; Autosomal recessive limb-girdle muscular dystrophy type 2J. Last evaluated: 2025-04-08. Review status: criteria provided, single submitter. Criteria: Invitae Variant Classification Sherloc (09022015). Collection method: clinical testing. Allele origin: germline.
Comment: This sequence change replaces glutamic acid, which is acidic and polar, with glycine, which is neutral and non-polar, at codon 34397 of the TTN protein (p.Glu34397Gly). This variant is not present in population databases (gnomAD no frequency). This variant has not been reported in the literature in individuals affected with TTN-related conditions. Experimental studies and prediction algorithms are not available or were not evaluated, and the functional significance of this variant is currently unknown. This variant is located in the M band of TTN (PMID: 25589632). Non-truncating variants in this region may be relevant for neuromuscular disorders, but have not been definitively shown to cause cardiomyopathy (PMID: 23975875). In summary, the available evidence is currently insufficient to determine the role of this variant in disease. Therefore, it has been classified as a Variant of Uncertain Significance.

Literature cited by the submitters: PubMed 25589632; PubMed 23975875.